The following is an entry in ClinVar:

NM_000132.4(F8):c.5422C>T (p.Leu1808Phe)

Gene: F8 (coagulation factor VIII; minus strand). Cytogenetic location: Xq28.
Variant type: single nucleotide variant.
Coding change: c.5422C>T on transcript NM_000132.4 (MANE Select); coding-DNA position 5422, C replaced by T.
Protein change: p.Leu1808Phe; replaces leucine 1808 with phenylalanine.
Molecular consequence: missense variant.
Genome position (GRCh38, 1-based): chrX:154,904,975, G>A on the plus strand (C>T on the coding strand, the complement: F8 is on the minus strand). VCF-style: chrX-154904975-G-A. GRCh37 (hg19) VCF-style: chrX-154133250-G-A.
Other names: F8, LEU1789PHE; L1789F; short protein forms L1808F.
Identifiers: ClinVar variation 10278 (VCV000010278.9), dbSNP rs137852445, ClinGen allele CA255166.

ClinVar aggregate classification (germline): Likely pathogenic. Review status: criteria provided, single submitter (1 of 4 stars). 2 submissions from 2 submitters: Likely pathogenic (1). 1 of the submissions does not count toward it. Last evaluated 2019-06-03.

Conditions:
Hereditary factor VIII deficiency disease (HEMA). Also called: HEMOPHILIA, CLASSIC; Hemophilia A; Hemophilia A, congenital; HEM A; Factor 8 deficiency, congenital; AUTOSOMAL HEMOPHILIA A. Identifiers: Orphanet 98878, MedGen C0019069, MONDO:0010602, OMIM 306700.

Submissions (2):

ARUP Laboratories, Molecular Genetics and Genomics, ARUP Laboratories
Classification: Likely pathogenic for Hereditary factor VIII deficiency disease. Last evaluated: 2019-06-03. Review status: criteria provided, single submitter. Criteria: ARUP Molecular Germline Variant Investigation Process. Collection method: clinical testing. Allele origin: germline.
Comment: The F8 c.5422C>T; p.Leu1808Phe variant (rs137852445), also known as Leu1789Phe in traditional nomenclature, is published in the medical literature in several individuals with mild hemophilia A (Arruda 1995, Diamond 1992). The variant is reported in the ClinVar database (Variation ID: 10278) but is absent from general population databases (Exome Variant Server, Genome Aggregation Database), indicating it is not a common polymorphism. The amino acid at this position is highly conserved but computational analyses (SIFT, PolyPhen-2) predict that this variant is tolerated. Considering available information, this variant is classified as likely pathogenic. References: Arruda VR et al. Eleven novel mutations in the factor VIII gene from Brazilian hemophilia A patients. Blood. 1995 Oct 15;86(8):3015-20. Diamond C et al. Amino acid substitutions in conserved domains of factor VIII and related proteins: study of patients with mild and moderately severe hemophilia A. Hum Mutat. 1992;1(3):248-57.

OMIM
Classification: Pathogenic for HEMOPHILIA A. Last evaluated: 1993-12-01. Review status: no assertion criteria provided. Collection method: literature only. Allele origin: germline. Not counted in ClinVar's aggregate classification.

Literature cited by the submitters: PubMed 1301932 (cited by OMIM); PubMed 8307558 (cited by OMIM).